The following is an entry in ClinVar:

NM_001242896.3(DEPDC5):c.856C>G (p.Arg286Gly)

Gene: DEPDC5 (DEP domain containing 5, GATOR1 subcomplex subunit; plus strand). Cytogenetic location: 22q12.2.
Variant type: single nucleotide variant.
Coding change: c.856C>G on transcript NM_001242896.3 (MANE Select); coding-DNA position 856, C replaced by G.
Protein change: p.Arg286Gly; replaces arginine 286 with glycine.
Molecular consequence: missense variant. On other transcripts: non-coding transcript variant (5).
Genome position (GRCh38, 1-based): chr22:31,797,688, C>G. VCF-style: chr22-31797688-C-G. GRCh37 (hg19) VCF-style: chr22-32193674-C-G.
Other names: c.856C>G, p.Arg286Gly (NM_001007188.4, NM_001136029.4, NM_001242897.2 and 7 more transcripts); c.772C>G, p.Arg258Gly (NM_001369901.1, NM_001369902.1); short protein forms R258G, R286G.
Identifiers: ClinVar variation 2065635 (VCV002065635.4), dbSNP rs886039255, ClinGen allele CA411290693.

ClinVar aggregate classification (germline): Uncertain significance (1 of 4 stars; one submission).

Conditions:
Familial focal epilepsy with variable foci (FPEVF). Identifiers: Orphanet 98820, MedGen C1858477, MONDO:0020310.

Submission:

Labcorp Genetics (formerly Invitae), Labcorp
Classification: Uncertain significance for Familial focal epilepsy with variable foci. Last evaluated: 2021-12-29. Review status: criteria provided, single submitter. Criteria: Invitae Variant Classification Sherloc (09022015). Collection method: clinical testing. Allele origin: germline.
Comment: In summary, the available evidence is currently insufficient to determine the role of this variant in disease. Therefore, it has been classified as a Variant of Uncertain Significance. Algorithms developed to predict the effect of missense changes on protein structure and function are either unavailable or do not agree on the potential impact of this missense change (SIFT: "Tolerated"; PolyPhen-2: "Not Available"; Align-GVGD: "Class C0"). This variant has not been reported in the literature in individuals affected with DEPDC5-related conditions. This variant is not present in population databases (gnomAD no frequency). This sequence change replaces arginine, which is basic and polar, with glycine, which is neutral and non-polar, at codon 286 of the DEPDC5 protein (p.Arg286Gly).